The following is an entry in ClinVar:

NM_001365999.1(SZT2):c.4590G>A (p.Ser1530=)

Gene: SZT2 (SZT2 subunit of KICSTOR complex; plus strand). Cytogenetic location: 1p34.2.
Variant type: single nucleotide variant.
Coding change: c.4590G>A on transcript NM_001365999.1 (MANE Select); coding-DNA position 4590, G replaced by A.
Protein change: p.Ser1530=; no amino-acid change (serine 1530 retained).
Molecular consequence: synonymous variant.
Genome position (GRCh38, 1-based): chr1:43,430,605, G>A. VCF-style: chr1-43430605-G-A. GRCh37 (hg19) VCF-style: chr1-43896276-G-A.
Other names: c.4419G>A, p.Ser1473= (NM_015284.4); c.4419G>A (NM_015284.3).
Identifiers: ClinVar variation 1149195 (VCV001149195.11), dbSNP rs771463235, ClinGen allele CA809330.
Genomic context (GRCh38, chr1:43,430,605, plus strand): 5'-GGTAGAATACCGGGAGAGCCGTGAATCAGACCTGGGGCCTGCTGGGCTAGACTCTGCCTC[G>A]CTGTCAGACGTAGACACTGTGAATCCTGATGAAGACTCCTTCAGTATCTTGGGGGGCGAC-3'
Protein context (NP_001352928.1, residues 1520-1540): DLGPAGLDSA[Ser1530=]LSDVDTVNPD

ClinVar aggregate classification (germline): Likely benign. Review status: criteria provided, single submitter (1 of 4 stars). 2 submissions from 2 submitters: Likely benign (1). 1 of the submissions does not count toward it. Last evaluated 2024-10-08.

Conditions:
SZT2-related disorder. Also called: SZT2-related condition.

Allele frequency attached by ClinVar (database versions not stated): gnomAD exomes below 0.00001; ExAC 0.00001; gnomAD 0.00001; TOPMed 0.00001.
gnomAD v4.1: 9 of 1,614,066 alleles (0.00056%); highest among the groups gnomAD compares: Admixed American, 0.0033%; no homozygotes.

Submissions (2):

Labcorp Genetics (formerly Invitae), Labcorp
Classification: Likely benign. Last evaluated: 2024-10-08. Review status: criteria provided, single submitter. Criteria: Invitae Variant Classification Sherloc (09022015). Collection method: clinical testing. Allele origin: germline.

PreventionGenetics, part of Exact Sciences
Classification: Likely benign for SZT2-related condition. Last evaluated: 2019-06-26. Review status: no assertion criteria provided. Collection method: clinical testing. Allele origin: germline. Not counted in ClinVar's aggregate classification.
Comment: This variant is classified as likely benign based on ACMG/AMP sequence variant interpretation guidelines (Richards et al. 2015 PMID: 25741868, with internal and published modifications).